The following is an entry in ClinVar:

ClinVar aggregate classification (germline): Conflicting classifications of pathogenicity. Review status: criteria provided, conflicting classifications (1 of 4 stars). 2 submissions from 2 submitters: Pathogenic (1); Uncertain significance (1). Last evaluated 2025-06-23.

Conditions:
Dyskeratosis congenita. Identifiers: Orphanet 1775, MedGen C0265965, MONDO:0015780.

Allele frequency attached by ClinVar (database versions not stated): ExAC 0.00001; gnomAD 0.00001; gnomAD exomes 0.00001 and 0.00003; TOPMed 0.00001; 1000 Genomes Project 30x 0.00016; 1000 Genomes Project 0.00020.

Submissions (2):

Labcorp Genetics (formerly Invitae), Labcorp
Classification: Pathogenic for Dyskeratosis congenita. Last evaluated: 2025-06-23. Review status: criteria provided, single submitter. Criteria: Invitae Variant Classification Sherloc (09022015). Collection method: clinical testing. Allele origin: germline.
Comment: This sequence change creates a premature translational stop signal (p.Gln1180*) in the CTC1 gene. While this is not anticipated to result in nonsense mediated decay, it is expected to disrupt the last 38 amino acid(s) of the CTC1 protein. This variant is present in population databases (rs562356966, gnomAD 0.007%). This variant has not been reported in the literature in individuals affected with CTC1-related conditions. ClinVar contains an entry for this variant (Variation ID: 1060669). Experimental studies and prediction algorithms are not available or were not evaluated, and the functional significance of this variant is currently unknown. This variant disrupts a region of the CTC1 protein in which other variant(s) (p.Arg1195*) have been determined to be pathogenic (PMID: 22387016). This suggests that this is a clinically significant region of the protein, and that variants that disrupt it are likely to be disease-causing. For these reasons, this variant has been classified as Pathogenic.

Blueprint Genetics
Classification: Uncertain significance. Last evaluated: 2023-03-24. Review status: criteria provided, single submitter. Criteria: ACMG Guidelines, 2015. Collection method: clinical testing. Allele origin: germline.

Literature cited by the submitters: PubMed 22387016 (cited by Labcorp Genetics (formerly Invitae), Labcorp).

NM_025099.6(CTC1):c.3538C>T (p.Gln1180Ter)

Gene: CTC1 (CST telomere replication complex component 1; minus strand). Cytogenetic location: 17p13.1.
Variant type: single nucleotide variant.
Coding change: c.3538C>T on transcript NM_025099.6 (MANE Select); coding-DNA position 3538, C replaced by T.
Protein change: p.Gln1180Ter; replaces glutamine 1180 with a stop codon.
Molecular consequence: nonsense. On other transcripts: non-coding transcript variant (1).
Genome position (GRCh38, 1-based): chr17:8,228,296, G>A on the plus strand (C>T on the coding strand, the complement: CTC1 is on the minus strand). VCF-style: chr17-8228296-G-A. GRCh37 (hg19) VCF-style: chr17-8131614-G-A.
Other names: short protein forms Q1180*.
Identifiers: ClinVar variation 1060669 (VCV001060669.8), dbSNP rs562356966, ClinGen allele CA8371715.